The following is an entry in ClinVar:

ClinVar aggregate classification (germline): Uncertain significance. Review status: criteria provided, multiple submitters, no conflicts (2 of 4 stars). 2 submissions from 2 submitters: Uncertain significance (2). Last evaluated 2025-08-27.

Conditions:
Inborn genetic diseases. Identifiers: MedGen C0950123, MeSH D030342.

gnomAD v4.1: 18 of 1,614,168 alleles (0.0011%); highest among the groups gnomAD compares: Non-Finnish European, 0.0012%; no homozygotes.

Submissions (2):

Ambry Genetics
Classification: Uncertain significance for Inborn genetic diseases. Last evaluated: 2025-08-27. Review status: criteria provided, single submitter. Criteria: Ambry Variant Classification Scheme 2023. Collection method: clinical testing. Allele origin: germline.

Labcorp Genetics (formerly Invitae), Labcorp
Classification: Uncertain significance. Last evaluated: 2023-12-07. Review status: criteria provided, single submitter. Criteria: Invitae Variant Classification Sherloc (09022015). Collection method: clinical testing. Allele origin: germline.
Comment: This sequence change replaces asparagine, which is neutral and polar, with serine, which is neutral and polar, at codon 984 of the VPS13D protein (p.Asn984Ser). This variant is not present in population databases (gnomAD no frequency). This variant has not been reported in the literature in individuals affected with VPS13D-related conditions. ClinVar contains an entry for this variant (Variation ID: 1947642). Advanced modeling of protein sequence and biophysical properties (such as structural, functional, and spatial information, amino acid conservation, physicochemical variation, residue mobility, and thermodynamic stability) performed at Invitae indicates that this missense variant is not expected to disrupt VPS13D protein function with a negative predictive value of 80%. In summary, the available evidence is currently insufficient to determine the role of this variant in disease. Therefore, it has been classified as a Variant of Uncertain Significance.

NM_015378.4(VPS13D):c.2951A>G (p.Asn984Ser)

Gene: VPS13D (vacuolar protein sorting 13 homolog D; plus strand). Cytogenetic location: 1p36.22.
Variant type: single nucleotide variant.
Coding change: c.2951A>G on transcript NM_015378.4 (MANE Select); coding-DNA position 2951, A replaced by G.
Protein change: p.Asn984Ser; replaces asparagine 984 with serine.
Molecular consequence: missense variant.
Genome position (GRCh38, 1-based): chr1:12,276,539, A>G. VCF-style: chr1-12276539-A-G. GRCh37 (hg19) VCF-style: chr1-12336596-A-G.
Other names: c.2951A>G (NM_015378.2); c.2951A>G, p.Asn984Ser (NM_018156.4); short protein forms N984S.
Identifiers: ClinVar variation 1947642 (VCV001947642.4), dbSNP rs1432484281, ClinGen allele CA338472901.